The following is an entry in ClinVar:

ClinVar aggregate classification (germline): Uncertain significance. Review status: criteria provided, multiple submitters, no conflicts (2 of 4 stars). 2 submissions from 2 submitters: Uncertain significance (2). Last evaluated 2025-07-31.

Conditions:
Bone mineral density quantitative trait locus 1 (BMND1). Identifiers: MedGen C1866079, OMIM 601884.
Worth disease. Also called: ENDOSTEAL HYPEROSTOSIS, AUTOSOMAL DOMINANT; OSTEOSCLEROSIS, AUTOSOMAL DOMINANT; Autosomal dominant osteosclerosis, Worth type. Identifiers: Orphanet 2790, MedGen C0432273, MONDO:0007764, OMIM 144750.
Exudative vitreoretinopathy 4 (EVR4). Identifiers: Orphanet 891, MedGen C1866176, MONDO:0011151, OMIM 601813.
Polycystic liver disease 4 with or without kidney cysts. Identifiers: MedGen C4693479, MONDO:0044327, OMIM 617875.
Autosomal dominant osteopetrosis 1 (OPTA1). Also called: OSTEOPETROSIS, AUTOSOMAL DOMINANT, TYPE I. Identifiers: Orphanet 2783, MedGen C1843330, MONDO:0011877, OMIM 607634.
Osteoporosis with pseudoglioma (OPPG). Also called: osteoporosis-pseudoglioma syndrome. Identifiers: Orphanet 2788, MedGen C0432252, MONDO:0009820, OMIM 259770.

Allele frequency attached by ClinVar (database versions not stated): gnomAD exomes 0.00004; ExAC 0.00005; ESP Exome Variant Server 0.00008; gnomAD 0.00012 and 0.00013; TOPMed 0.00014; 1000 Genomes Project 30x 0.00031; 1000 Genomes Project 0.00040.
gnomAD v4.1: 23 of 1,606,726 alleles (0.0014%); highest among the groups gnomAD compares: African/African-American, 0.031%; no homozygotes.

Submissions (2):

Labcorp Genetics (formerly Invitae), Labcorp
Classification: Uncertain significance. Last evaluated: 2025-07-31. Review status: criteria provided, single submitter. Criteria: Invitae Variant Classification Sherloc (09022015). Collection method: clinical testing. Allele origin: germline.
Comment: This sequence change replaces arginine, which is basic and polar, with glycine, which is neutral and non-polar, at codon 1534 of the LRP5 protein (p.Arg1534Gly). This variant is present in population databases (rs149645175, gnomAD 0.04%). This variant has not been reported in the literature in individuals affected with LRP5-related conditions. ClinVar contains an entry for this variant (Variation ID: 1041924). Invitae Evidence Modeling of protein sequence and biophysical properties (such as structural, functional, and spatial information, amino acid conservation, physicochemical variation, residue mobility, and thermodynamic stability) indicates that this missense variant is not expected to disrupt LRP5 protein function with a negative predictive value of 95%. In summary, the available evidence is currently insufficient to determine the role of this variant in disease. Therefore, it has been classified as a Variant of Uncertain Significance.

Fulgent Genetics
Classification: Uncertain significance for Worth disease; Osteoporosis with pseudoglioma; Exudative vitreoretinopathy 4; Bone mineral density quantitative trait locus 1; Autosomal dominant osteopetrosis 1; Polycystic liver disease 4 with or without kidney cysts. Last evaluated: 2024-03-22. Review status: criteria provided, single submitter. Criteria: ACMG Guidelines, 2015. Collection method: clinical testing. Allele origin: germline.

NM_002335.4(LRP5):c.4600C>G (p.Arg1534Gly)

Gene: LRP5 (LDL receptor related protein 5; plus strand). Cytogenetic location: 11q13.2.
Variant type: single nucleotide variant.
Coding change: c.4600C>G on transcript NM_002335.4 (MANE Select); coding-DNA position 4600, C replaced by G.
Protein change: p.Arg1534Gly; replaces arginine 1534 with glycine.
Molecular consequence: missense variant.
Genome position (GRCh38, 1-based): chr11:68,448,822, C>G. VCF-style: chr11-68448822-C-G. GRCh37 (hg19) VCF-style: chr11-68216290-C-G.
Other names: c.2857C>G, p.Arg953Gly (NM_001291902.2); short protein forms R1534G, R953G.
Identifiers: ClinVar variation 1041924 (VCV001041924.10), dbSNP rs149645175, ClinGen allele CA6150460.